The following is an entry in ClinVar:

ClinVar aggregate classification (germline): Uncertain significance (1 of 4 stars; one submission).

Conditions:
Melanoma, cutaneous malignant, susceptibility to, 5. Also called: Cutaneous malignant melanoma 5. Identifiers: Orphanet 618, MedGen C2751295, MONDO:0013133, OMIM 613099.

Submission:

Labcorp Genetics (formerly Invitae), Labcorp
Classification: Uncertain significance for Melanoma, cutaneous malignant, susceptibility to, 5. Last evaluated: 2021-05-16. Review status: criteria provided, single submitter. Criteria: Invitae Variant Classification Sherloc (09022015). Collection method: clinical testing. Allele origin: germline.
Comment: This variant has not been reported in the literature in individuals with MC1R-related conditions. The frequency data for this variant in the population databases is not available, as this variant may be reported as separate entries in the ExAC database. This sequence change replaces alanine with tyrosine at codon 222 of the MC1R protein (p.Ala222Tyr). The alanine residue is moderately conserved and there is a moderate physicochemical difference between alanine and tyrosine. Algorithms developed to predict the effect of missense changes on protein structure and function are either unavailable or do not agree on the potential impact of this missense change (SIFT: "Not Available"; PolyPhen-2: "Probably Damaging"; Align-GVGD: "Not Available"). In summary, the available evidence is currently insufficient to determine the role of this variant in disease. Therefore, it has been classified as a Variant of Uncertain Significance.

NM_002386.4(MC1R):c.664_665delinsTA (p.Ala222Tyr)

Gene: MC1R (melanocortin 1 receptor; plus strand). Cytogenetic location: 16q24.3.
Variant type: Indel.
Coding change: c.664_665delinsTA on transcript NM_002386.4 (MANE Select); coding-DNA positions 664 to 665, GC replaced by TA.
Protein change: p.Ala222Tyr; replaces alanine 222 with tyrosine.
Molecular consequence: missense variant.
Genome position (GRCh38, 1-based): chr16:89,919,922-89,919,923, GC replaced by TA. VCF-style: chr16-89919922-GC-TA. GRCh37 (hg19) VCF-style: chr16-89986330-GC-TA.
Other names: short protein forms A222Y.
Identifiers: ClinVar variation 1416844 (VCV001416844.6), dbSNP rs2144392750, ClinGen allele CA2573152826.
Genomic context (GRCh38, chr16:89,919,922, plus strand): 5'-CTCATGGCCGTGCTGTACGTCCACATGCTGGCCCGGGCCTGCCAGCACGCCCAGGGCATC[GC>TA]CCGGCTCCACAAGAGGCAGCGCCCGGTCCACCAGGGCTTTGGCCTTAAAGGCGCTGTCAC-3'
Protein context (NP_002377.4, residues 212-232): ARACQHAQGI[Ala222Tyr]RLHKRQRPVH